The following is an entry in ClinVar:

NM_001844.5(COL2A1):c.3131G>C (p.Gly1044Ala)

Gene: COL2A1 (collagen type II alpha 1 chain; minus strand). Cytogenetic location: 12q13.11.
Variant type: single nucleotide variant.
Coding change: c.3131G>C on transcript NM_001844.5 (MANE Select); coding-DNA position 3131, G replaced by C.
Protein change: p.Gly1044Ala; replaces glycine 1044 with alanine.
Molecular consequence: missense variant.
Genome position (GRCh38, 1-based): chr12:47,977,634, C>G on the plus strand (G>C on the coding strand, the complement: COL2A1 is on the minus strand). VCF-style: chr12-47977634-C-G. GRCh37 (hg19) VCF-style: chr12-48371417-C-G.
Other names: c.2924G>C, p.Gly975Ala (NM_033150.3); short protein forms G1044A, G975A.
Identifiers: ClinVar variation 2048525 (VCV002048525.4), dbSNP rs1229928635, ClinGen allele CA384540557.

ClinVar aggregate classification (germline): Likely pathogenic (1 of 4 stars; one submission).

Allele frequency attached by ClinVar (database versions not stated): gnomAD exomes below 0.00001.
gnomAD v4.1: 2 of 1,614,138 alleles (0.00012%); highest among the groups gnomAD compares: Admixed American, 0.0017%; no homozygotes.

Submission:

Labcorp Genetics (formerly Invitae), Labcorp
Classification: Likely pathogenic. Last evaluated: 2021-12-28. Review status: criteria provided, single submitter. Criteria: Invitae Variant Classification Sherloc (09022015). Collection method: clinical testing. Allele origin: germline.
Comment: This variant disrupts the triple helix domain of COL2A1. Glycine residues within the Gly-Xaa-Yaa repeats of the triple helix domain are required for the structure and stability of fibrillar collagens (PMID: 7695699, 8218237, 19344236). In COL2A1, variants affecting these glycine residues are significantly enriched in individuals with disease (PMID: 9016532, 17078022) compared to the general population (ExAC). Advanced modeling of protein sequence and biophysical properties (such as structural, functional, and spatial information, amino acid conservation, physicochemical variation, residue mobility, and thermodynamic stability) performed at Invitae indicates that this missense variant is expected to disrupt COL2A1 protein function. This variant has not been reported in the literature in individuals affected with COL2A1-related conditions. This variant is present in population databases (no rsID available, gnomAD 0.003%). This sequence change replaces glycine, which is neutral and non-polar, with alanine, which is neutral and non-polar, at codon 1044 of the COL2A1 protein (p.Gly1044Ala). In summary, the currently available evidence indicates that the variant is pathogenic, but additional data are needed to prove that conclusively. Therefore, this variant has been classified as Likely Pathogenic.

Literature cited by the submitters: PubMed 7695699; PubMed 8218237; PubMed 19344236; PubMed 9016532; PubMed 17078022.